The following is an entry in ClinVar:

NM_024642.5(GALNT12):c.784T>C (p.Trp262Arg)

Gene: GALNT12 (polypeptide N-acetylgalactosaminyltransferase 12; plus strand). Cytogenetic location: 9q22.33.
Variant type: single nucleotide variant.
Coding change: c.784T>C on transcript NM_024642.5 (MANE Select); coding-DNA position 784, T replaced by C.
Protein change: p.Trp262Arg; replaces tryptophan 262 with arginine.
Molecular consequence: missense variant.
Genome position (GRCh38, 1-based): chr9:98,831,824, T>C. VCF-style: chr9-98831824-T-C. GRCh37 (hg19) VCF-style: chr9-101594106-T-C.
Other names: short protein forms W262R.
Identifiers: ClinVar variation 827286 (VCV000827286.9), dbSNP rs373792075, ClinGen allele CA5154057.
Genomic context (GRCh38, chr9:98,831,824, plus strand): 5'-GCTTTCAGGATCCATGAAGAGGAGTCGGCAGTGGTGTGCCCGGTGATTGATGTGATCGAC[T>C]GGAACACCTTCGAATACCTGGGGAACTCCGGGGAGCCCCAGATCGGCGGTTTCGACTGGA-3'
Protein context (NP_078918.3, residues 252-272): VVCPVIDVID[Trp262Arg]NTFEYLGNSG

ClinVar aggregate classification (germline): Uncertain significance. Review status: criteria provided, multiple submitters, no conflicts (2 of 4 stars). 5 submissions from 5 submitters: Uncertain significance (5). Last evaluated 2025-03-30.

Conditions:
Colorectal cancer, susceptibility to, 1. Also called: COLORECTAL ADENOMA AND CANCER, SUSCEPTIBILITY TO; COLORECTAL CANCER, SUSCEPTIBILITY TO, ON CHROMOSOME 9. Identifiers: MedGen C1837315, MONDO:0012132, OMIM 608812.

Allele frequency attached by ClinVar (database versions not stated): ExAC 0.00001; gnomAD exomes 0.00001; TOPMed 0.00006; gnomAD 0.00007; ESP Exome Variant Server 0.00008.
gnomAD v4.1: 21 of 1,614,108 alleles (0.0013%); highest among the groups gnomAD compares: African/African-American, 0.025%; no homozygotes.

Submissions (5):

Labcorp Genetics (formerly Invitae), Labcorp
Classification: Uncertain significance. Last evaluated: 2025-03-30. Review status: criteria provided, single submitter. Criteria: Invitae Variant Classification Sherloc (09022015). Collection method: clinical testing. Allele origin: germline.
Comment: This sequence change replaces tryptophan, which is neutral and slightly polar, with arginine, which is basic and polar, at codon 262 of the GALNT12 protein (p.Trp262Arg). This variant is present in population databases (rs373792075, gnomAD 0.01%). This variant has not been reported in the literature in individuals affected with GALNT12-related conditions. ClinVar contains an entry for this variant (Variation ID: 827286). Invitae Evidence Modeling of protein sequence and biophysical properties (such as structural, functional, and spatial information, amino acid conservation, physicochemical variation, residue mobility, and thermodynamic stability) indicates that this missense variant is not expected to disrupt GALNT12 protein function with a negative predictive value of 80%. In summary, the available evidence is currently insufficient to determine the role of this variant in disease. Therefore, it has been classified as a Variant of Uncertain Significance.

Quest Diagnostics Nichols Institute San Juan Capistrano
Classification: Uncertain significance. Last evaluated: 2025-01-16. Review status: criteria provided, single submitter. Criteria: Quest Diagnostics criteria. Collection method: clinical testing. Allele origin: unknown.
Comment: The GALNT12 c.784T>C (p.Trp262Arg) variant has not been reported in individuals with GALNT12-related conditions in the published literature. The frequency of this variant in the general population (Genome Aggregation Database) is higher than would generally be expected for pathogenic variants in this gene. Analysis of this variant using bioinformatics tools for the prediction of the effect of amino acid changes on protein structure and function yielded predictions that this variant is damaging. Based on the available information, we are unable to determine the clinical significance of this variant.

Ambry Genetics
Classification: Uncertain significance. Last evaluated: 2024-11-13. Review status: criteria provided, single submitter. Criteria: Ambry Variant Classification Scheme 2023. Collection method: clinical testing. Allele origin: germline.
Comment: The p.W262R variant (also known as c.784T>C), located in coding exon 4 of the GALNT12 gene, results from a T to C substitution at nucleotide position 784. The tryptophan at codon 262 is replaced by arginine, an amino acid with dissimilar properties. This amino acid position is highly conserved in available vertebrate species. In addition, this alteration is predicted to be deleterious by in silico analysis. The evidence for this gene-disease relationship is limited; therefore, the clinical significance of this alteration is unclear.

Fulgent Genetics
Classification: Uncertain significance for Colorectal cancer, susceptibility to, 1. Last evaluated: 2024-04-29. Review status: criteria provided, single submitter. Criteria: ACMG Guidelines, 2015. Collection method: clinical testing. Allele origin: germline.

Baylor Genetics
Classification: Uncertain significance for Colorectal cancer, susceptibility to, 1. Last evaluated: 2023-10-16. Review status: criteria provided, single submitter. Criteria: ACMG Guidelines, 2015. Collection method: clinical testing. Allele origin: unknown.